The following is an entry in ClinVar:

ClinVar aggregate classification (germline): Likely pathogenic (1 of 4 stars; one submission).

Conditions:
Charcot-Marie-Tooth disease type 2. Also called: Charcot-Marie-Tooth type 2. Identifiers: Orphanet 64746, MedGen C0270914, MONDO:0018993.

Submission:

Labcorp Genetics (formerly Invitae), Labcorp
Classification: Likely pathogenic for Charcot-Marie-Tooth disease type 2. Last evaluated: 2025-12-29. Review status: criteria provided, single submitter. Criteria: Invitae Variant Classification Sherloc (09022015). Collection method: clinical testing. Allele origin: germline.
Comment: This sequence change affects an acceptor splice site in intron 7 of the BSCL2 gene. It is expected to disrupt RNA splicing. Variants that disrupt the donor or acceptor splice site typically lead to a loss of protein function (PMID: 16199547), and loss-of-function variants in BSCL2 are known to be pathogenic (PMID: 11479539, 23564749). This variant is not present in population databases (gnomAD no frequency). This variant has not been reported in the literature in individuals affected with BSCL2-related conditions. Algorithms developed to predict the effect of sequence changes on RNA splicing suggest that this variant may disrupt the consensus splice site. In summary, the currently available evidence indicates that the variant is pathogenic, but additional data are needed to prove that conclusively. Therefore, this variant has been classified as Likely Pathogenic.

Literature cited by the submitters: PubMed 16199547; PubMed 11479539; PubMed 23564749.

NM_001122955.4(BSCL2):c.1006-2A>T

Genes: BSCL2 (BSCL2 lipid droplet biogenesis associated, seipin; minus strand), HNRNPUL2-BSCL2 (HNRNPUL2-BSCL2 readthrough (NMD candidate); minus strand). Cytogenetic location: 11q12.3.
Variant type: single nucleotide variant.
Coding change: c.1006-2A>T on transcript NM_001122955.4 (MANE Select); the canonical splice acceptor site of the intron before coding-DNA position 1006, A replaced by T.
Molecular consequence: splice acceptor variant.
Genome position (GRCh38, 1-based): chr11:62,691,143, T>A on the plus strand (A>T on the coding strand, the complement: BSCL2 is on the minus strand). VCF-style: chr11-62691143-T-A. GRCh37 (hg19) VCF-style: chr11-62458615-T-A.
Other names: c.672-2A>T (NM_001130702.2); c.814-2A>T (NM_032667.6); c.1006-2A>T (NM_001386028.1, NM_001386027.1).
Identifiers: ClinVar variation 4734333 (VCV004734333.1).
Genomic context (GRCh38, chr11:62,691,143, plus strand): 5'-TGAGCAGAGATCCTTCGTTGGACTTCCTTCCGGGAATTGTCTCTTTTTCGGATGTTAACC[T>A]GTGGAGGAAAAACTACTGAGCAGCCAGGACTGACTTCCCTCACTAACAATCAGGACCCTC-3'